The following is an entry in ClinVar:

NM_000388.4(CASR):c.1124G>C (p.Arg375Thr)

Gene: CASR (calcium sensing receptor; plus strand). Cytogenetic location: 3q21.1.
Variant type: single nucleotide variant.
Coding change: c.1124G>C on transcript NM_000388.4 (MANE Select); coding-DNA position 1124, G replaced by C.
Protein change: p.Arg375Thr; replaces arginine 375 with threonine.
Molecular consequence: missense variant.
Genome position (GRCh38, 1-based): chr3:122,262,159, G>C. VCF-style: chr3-122262159-G-C. GRCh37 (hg19) VCF-style: chr3-121981006-G-C.
Other names: c.1124G>C, p.Arg375Thr (NM_001178065.2); short protein forms R375T.
Identifiers: ClinVar variation 2950670 (VCV002950670.3), dbSNP rs760190284, ClinGen allele CA354152637.
Genomic context (GRCh38, chr3:122,262,159, plus strand): 5'-CATTTAACTGCCACCTCCAAGAAGGTGCAAAAGGACCTTTACCTGTGGACACCTTTCTGA[G>C]AGGTCACGAAGAAAGTGGCGACAGGTTTAGCAACAGCTCGACAGCCTTCCGACCCCTCTG-3'
Protein context (NP_000379.3, residues 365-385): KGPLPVDTFL[Arg375Thr]GHEESGDRFS

ClinVar aggregate classification (germline): Uncertain significance (1 of 4 stars; one submission).

Conditions:
Autosomal dominant hypocalcemia 1 (HYPOC1). Also called: HYPOCALCEMIA, FAMILIAL. Identifiers: MedGen C3715128, MONDO:0011013, OMIM 601198.
Familial hypocalciuric hypercalcemia (FHH). Also called: Familial benign hypercalcemia. Identifiers: Orphanet 405, MedGen C1809471, MONDO:0018458.

Submission:

Labcorp Genetics (formerly Invitae), Labcorp
Classification: Uncertain significance for Familial hypocalciuric hypercalcemia; Autosomal dominant hypocalcemia 1. Last evaluated: 2023-11-11. Review status: criteria provided, single submitter. Criteria: Invitae Variant Classification Sherloc (09022015). Collection method: clinical testing. Allele origin: germline.
Comment: This sequence change replaces arginine, which is basic and polar, with threonine, which is neutral and polar, at codon 375 of the CASR protein (p.Arg375Thr). This variant is not present in population databases (gnomAD no frequency). This variant has not been reported in the literature in individuals affected with CASR-related conditions. An algorithm developed to predict the effect of missense changes on protein structure and function (PolyPhen-2) suggests that this variant is likely to be tolerated. In summary, the available evidence is currently insufficient to determine the role of this variant in disease. Therefore, it has been classified as a Variant of Uncertain Significance.